The following is an entry in ClinVar:

NM_000094.4(COL7A1):c.7187del (p.Leu2396fs)

Gene: COL7A1 (collagen type VII alpha 1 chain; minus strand). Cytogenetic location: 3p21.31.
Variant type: Deletion.
Coding change: c.7187del on transcript NM_000094.4 (MANE Select); coding-DNA position 7187, one base deleted (T; older notation c.7187delT).
Protein change: p.Leu2396fs; shifts the reading frame from leucine 2396.
Molecular consequence: frameshift variant.
Genome position (GRCh38, 1-based): chr3:48,570,946, A deleted on the plus strand (T on the coding strand, the reverse complement: COL7A1 is on the minus strand). VCF-style (leftmost placement, unchanged base first): chr3-48570945-CA-C. GRCh37 (hg19) VCF-style: chr3-48608378-CA-C.
Other names: short protein forms L2396fs.
Identifiers: ClinVar variation 5012968 (VCV005012968.1).

ClinVar aggregate classification (germline): Pathogenic (1 of 4 stars; one submission).

Conditions:
Recessive dystrophic epidermolysis bullosa (RDEB). Also called: DYSTROPHIC EPIDERMOLYSIS BULLOSA, AUTOSOMAL RECESSIVE; EPIDERMOLYSIS BULLOSA DYSTROPHICA, HALLOPEAU-SIEMENS TYPE; Hallopeau-Siemens Disease; severe generalized recessive dystrophic epidermolysis bullosa; EPIDERMOLYSIS BULLOSA DYSTROPHICA, GENERALIZED SEVERE, AUTOSOMAL RECESSIVE; Epidermolysis Bullosa Distrophica Autosomal Recessive (RDEB). Identifiers: Orphanet 79408, Orphanet 79409, MedGen C0079474, MONDO:0009179, OMIM 226600.

Submission:

Myriad Genetics, Inc.
Classification: Pathogenic for Recessive dystrophic epidermolysis bullosa. Last evaluated: 2024-04-28. Review status: criteria provided, single submitter. Criteria: Myriad Autosomal Dominant, Autosomal Recessive and X-Linked Classification Criteria (2023). Collection method: clinical testing. Allele origin: unknown.
Comment: NM_000094.3(COL7A1):c.7187delT(L2396Rfs*70) is expected to be pathogenic in the context of dystrophic epidermolysis bullosa. This variant is predicted to lead to an abnormal or absent protein product due to the creation of a premature termination codon in COL7A1, a gene where loss-of-function variants are known to be pathogenic. Please note: this variant was assessed in the context of healthy population screening.